The following is an entry in ClinVar:

NM_000219.6(KCNE1):c.210G>T (p.Lys70Asn)

Gene: KCNE1 (potassium voltage-gated channel subfamily E regulatory subunit 1; minus strand). Cytogenetic location: 21q22.12.
Variant type: single nucleotide variant.
Coding change: c.210G>T on transcript NM_000219.6 (MANE Select); coding-DNA position 210, G replaced by T.
Protein change: p.Lys70Asn; replaces lysine 70 with asparagine.
Molecular consequence: missense variant.
Genome position (GRCh38, 1-based): chr21:34,449,425, C>A on the plus strand (G>T on the coding strand, the complement: KCNE1 is on the minus strand). VCF-style: chr21-34449425-C-A. GRCh37 (hg19) VCF-style: chr21-35821723-C-A.
Other names: c.210G>T, p.Lys70Asn (NM_001127668.4, NM_001127669.4, NM_001127670.4 and 4 more transcripts); short protein forms K70N.
Identifiers: ClinVar variation 3374336 (VCV003374336.2).

Conditions:
Long QT syndrome 5 (LQT5). Identifiers: Orphanet 101016, Orphanet 768, MedGen C1867904, MONDO:0013372, OMIM 613695.

Submission:

Roden Lab, Vanderbilt University Medical Center
No classification provided (evidence only). Condition: Long QT syndrome 5. Review status: no classification provided. Collection method: in vitro. Allele origin: not applicable. Functional consequence: Effect on ion channel function.
ClinVar note: "not provided" was previously submitted as the classification for the variant. However, the classification appeared to be based only on an observation of functional data so it was converted to no classification on 2025-07-30.